The following is an entry in ClinVar:

NM_024422.6(DSC2):c.1427A>C (p.Gln476Pro)

Gene: DSC2 (desmocollin 2; minus strand). Cytogenetic location: 18q12.1.
Variant type: single nucleotide variant.
Coding change: c.1427A>C on transcript NM_024422.6 (MANE Select); coding-DNA position 1427, A replaced by C.
Protein change: p.Gln476Pro; replaces glutamine 476 with proline.
Molecular consequence: missense variant.
Genome position (GRCh38, 1-based): chr18:31,080,189, T>G on the plus strand (A>C on the coding strand, the complement: DSC2 is on the minus strand). VCF-style: chr18-31080189-T-G. GRCh37 (hg19) VCF-style: chr18-28660155-T-G.
Other names: c.998A>C, p.Gln333Pro (NM_001406506.1, NM_001406507.1); c.1427A>C, p.Gln476Pro (NM_004949.5); c.1427A>C (NM_024422.3); short protein forms Q476P, Q333P.
Identifiers: ClinVar variation 3017114 (VCV003017114.4), dbSNP rs926739048, ClinGen allele CA297636992.

ClinVar aggregate classification (germline): Uncertain significance. Review status: criteria provided, multiple submitters, no conflicts (2 of 4 stars). 2 submissions from 2 submitters: Uncertain significance (2). Last evaluated 2025-03-31.

Conditions:
Cardiovascular phenotype. Identifiers: MedGen CN230736.
Arrhythmogenic right ventricular dysplasia 11. Also called: ARRHYTHMOGENIC RIGHT VENTRICULAR DYSPLASIA, FAMILIAL, 11; Arrhythmogenic Right Ventricular Dysplasia/Cardiomyopathy11; Arrhythmogenic right ventricular dysplasia 11 with mild palmoplantar keratoderma and woolly hair. Identifiers: MedGen C1864850, MONDO:0012506, OMIM 610476.

Allele frequency attached by ClinVar (database versions not stated): gnomAD exomes below 0.00001; TOPMed 0.00002.
gnomAD v4.1: 1 of 1,614,140 alleles (0.000062%); highest among the groups gnomAD compares: African/African-American, 0.0013%; no homozygotes.

Submissions (2):

Ambry Genetics
Classification: Uncertain significance for Cardiovascular phenotype. Last evaluated: 2025-03-31. Review status: criteria provided, single submitter. Criteria: Ambry Variant Classification Scheme 2023. Collection method: clinical testing. Allele origin: germline.
Comment: The p.Q476P variant (also known as c.1427A>C), located in coding exon 10 of the DSC2 gene, results from an A to C substitution at nucleotide position 1427. The glutamine at codon 476 is replaced by proline, an amino acid with similar properties. This amino acid position is conserved. In addition, the in silico prediction for this alteration is inconclusive. Based on the available evidence, the clinical significance of this variant remains unclear.

Labcorp Genetics (formerly Invitae), Labcorp
Classification: Uncertain significance for Arrhythmogenic right ventricular dysplasia 11. Last evaluated: 2024-01-31. Review status: criteria provided, single submitter. Criteria: Invitae Variant Classification Sherloc (09022015). Collection method: clinical testing. Allele origin: germline.
Comment: This sequence change replaces glutamine, which is neutral and polar, with proline, which is neutral and non-polar, at codon 476 of the DSC2 protein (p.Gln476Pro). This variant is present in population databases (no rsID available, gnomAD 0.007%). This variant has not been reported in the literature in individuals affected with DSC2-related conditions. Advanced modeling of protein sequence and biophysical properties (such as structural, functional, and spatial information, amino acid conservation, physicochemical variation, residue mobility, and thermodynamic stability) has been performed at Invitae for this missense variant, however the output from this modeling did not meet the statistical confidence thresholds required to predict the impact of this variant on DSC2 protein function. In summary, the available evidence is currently insufficient to determine the role of this variant in disease. Therefore, it has been classified as a Variant of Uncertain Significance.